The following is an entry in ClinVar:

NM_001943.5(DSG2):c.2353G>A (p.Glu785Lys)

Genes: DSG2 (desmoglein 2; plus strand), DSG2-AS1 (DSG2 antisense RNA 1; minus strand). Cytogenetic location: 18q12.1.
Variant type: single nucleotide variant.
Coding change: c.2353G>A on transcript NM_001943.5 (MANE Select); coding-DNA position 2353, G replaced by A.
Protein change: p.Glu785Lys; replaces glutamic acid 785 with lysine.
Molecular consequence: missense variant. On other transcripts: non-coding transcript variant (1).
Genome position (GRCh38, 1-based): chr18:31,545,739, G>A. VCF-style: chr18-31545739-G-A. GRCh37 (hg19) VCF-style: chr18-29125702-G-A.
Other names: short protein forms E785K.
Identifiers: ClinVar variation 2908461 (VCV002908461.3), dbSNP rs2510922139, ClinGen allele CA402144362.

ClinVar aggregate classification (germline): Uncertain significance (1 of 4 stars; one submission).

Conditions:
Arrhythmogenic right ventricular dysplasia 10. Also called: Arrhythmogenic Right Ventricular Dysplasia/Cardiomyopathy10; Arrhythmogenic right ventricular dysplasia/cardiomyopathy, type 10; ARRHYTHMOGENIC RIGHT VENTRICULAR DYSPLASIA, FAMILIAL, 10. Identifiers: MedGen C1857777, MONDO:0012434, OMIM 610193.

Submission:

Labcorp Genetics (formerly Invitae), Labcorp
Classification: Uncertain significance for Arrhythmogenic right ventricular dysplasia 10. Last evaluated: 2024-01-25. Review status: criteria provided, single submitter. Criteria: Invitae Variant Classification Sherloc (09022015). Collection method: clinical testing. Allele origin: germline.
Comment: This sequence change replaces glutamic acid, which is acidic and polar, with lysine, which is basic and polar, at codon 785 of the DSG2 protein (p.Glu785Lys). This variant is not present in population databases (gnomAD no frequency). This variant has not been reported in the literature in individuals affected with DSG2-related conditions. Advanced modeling of protein sequence and biophysical properties (such as structural, functional, and spatial information, amino acid conservation, physicochemical variation, residue mobility, and thermodynamic stability) performed at Invitae indicates that this missense variant is not expected to disrupt DSG2 protein function with a negative predictive value of 95%. In summary, the available evidence is currently insufficient to determine the role of this variant in disease. Therefore, it has been classified as a Variant of Uncertain Significance.